The following is an entry in ClinVar:

ClinVar aggregate classification (germline): Uncertain significance (1 of 4 stars; one submission).

Conditions:
Usher syndrome type 1C. Also called: USHER SYNDROME, TYPE I, ACADIAN VARIETY. Identifiers: Orphanet 231169, Orphanet 886, MedGen C1848604, MONDO:0010171, OMIM 276904.

gnomAD v4.1: 124 of 1,594,304 alleles (0.0078%); highest among the groups gnomAD compares: Admixed American, 0.18%; no homozygotes.

Submission:

3billion
Classification: Uncertain significance for Usher syndrome type 1C. Last evaluated: 2024-09-25. Review status: criteria provided, single submitter. Criteria: ACMG Guidelines, 2015. Collection method: clinical testing. Allele origin: germline. Affected: yes.
Comment: The variant is observed at an extremely low frequency in the gnomAD v4.0.0 dataset (total allele frequency: 0.008%). Predicted Consequence/Location: Intron variant Therefore, this variant is classified as VUS according to the recommendation of ACMG/AMP guideline.

NM_153676.4(USH1C):c.2491-59C>T

Gene: USH1C (USH1 protein network component harmonin; minus strand). Cytogenetic location: 11p15.1.
Variant type: single nucleotide variant.
Coding change: c.2491-59C>T on transcript NM_153676.4 (MANE Select); 59 bases into the intron before coding-DNA position 2491, C replaced by T.
Molecular consequence: intron variant.
Genome position (GRCh38, 1-based): chr11:17,496,872, G>A on the plus strand (C>T on the coding strand, the complement: USH1C is on the minus strand). VCF-style: chr11-17496872-G-A. GRCh37 (hg19) VCF-style: chr11-17518419-G-A.
Other names: c.1534-59C>T (NM_001297764.2); c.1321-59C>T (NM_001440687.1); c.1720-59C>T (NM_001440681.1); c.1590+1290C>T (NM_001440685.1); c.1591-59C>T (NM_005709.4); c.1687-59C>T (NM_001440682.1); c.1642-59C>T (NM_001440683.1); c.1744-59C>T (NM_001440680.1); and 3 more.
Identifiers: ClinVar variation 4293229 (VCV004293229.1).